The following is an entry in ClinVar:

ClinVar aggregate classification (germline): Pathogenic (1 of 4 stars; one submission).

Conditions:
Metachromatic leukodystrophy (MLD). Also called: SULFATIDE LIPIDOSIS; Cerebral sclerosis diffuse metachromatic form; ARSA DEFICIENCY; CEREBROSIDE SULFATASE DEFICIENCY; Arylsulfatase A Deficiency; METACHROMATIC LEUKOENCEPHALOPATHY. Identifiers: Orphanet 512, MedGen C0023522, MONDO:0018868, OMIM 250100.

Submission:

Labcorp Genetics (formerly Invitae), Labcorp
Classification: Pathogenic for Metachromatic leukodystrophy. Last evaluated: 2022-08-09. Review status: criteria provided, single submitter. Criteria: Invitae Variant Classification Sherloc (09022015). Collection method: clinical testing. Allele origin: germline.
Comment: This sequence change creates a premature translational stop signal (p.Gln141Argfs*7) in the ARSA gene. It is expected to result in an absent or disrupted protein product. Loss-of-function variants in ARSA are known to be pathogenic (PMID: 8962139, 10477432). This variant is not present in population databases (gnomAD no frequency). This variant has not been reported in the literature in individuals affected with ARSA-related conditions. For these reasons, this variant has been classified as Pathogenic.

Literature cited by the submitters: PubMed 8962139; PubMed 10477432.

NM_000487.6(ARSA):c.422del (p.Gln141fs)

Gene: ARSA (arylsulfatase A; minus strand). Cytogenetic location: 22q13.33.
Variant type: Deletion.
Coding change: c.422del on transcript NM_000487.6 (MANE Select); coding-DNA position 422, one base deleted (A; older notation c.422delA).
Protein change: p.Gln141fs; shifts the reading frame from glutamine 141.
Molecular consequence: frameshift variant.
Genome position (GRCh38, 1-based): chr22:50,627,209, T deleted on the plus strand (A on the coding strand, the reverse complement: ARSA is on the minus strand). VCF-style (leftmost placement, unchanged base first): chr22-50627208-CT-C. GRCh37 (hg19) VCF-style: chr22-51065636-CT-C.
Other names: c.422del, p.Gln141fs (NM_001085425.3, NM_001085426.3, NM_001085427.3); c.164del, p.Gln55fs (NM_001085428.3, NM_001362782.2); short protein forms Q55fs, Q141fs.
Identifiers: ClinVar variation 2086568 (VCV002086568.4), dbSNP rs2518333469, ClinGen allele CA2580099989.